The following is an entry in ClinVar:

NM_000419.5(ITGA2B):c.2311G>T (p.Val771Leu)

Gene: ITGA2B (integrin subunit alpha 2b; minus strand). Cytogenetic location: 17q21.31.
Variant type: single nucleotide variant.
Coding change: c.2311G>T on transcript NM_000419.5 (MANE Select); coding-DNA position 2311, G replaced by T.
Protein change: p.Val771Leu; replaces valine 771 with leucine.
Molecular consequence: missense variant.
Genome position (GRCh38, 1-based): chr17:44,376,345, C>A on the plus strand (G>T on the coding strand, the complement: ITGA2B is on the minus strand). VCF-style: chr17-44376345-C-A. GRCh37 (hg19) VCF-style: chr17-42453713-C-A.
Other names: c.2311G>T (NM_000419.4); short protein forms V771L.
Identifiers: ClinVar variation 890529 (VCV000890529.7), dbSNP rs368953599, ClinGen allele CA8602743.

ClinVar aggregate classification (germline): Uncertain significance. Review status: criteria provided, multiple submitters, no conflicts (2 of 4 stars). 4 submissions from 4 submitters: Uncertain significance (4). Last evaluated 2025-03-10.

Conditions:
Glanzmann thrombasthenia. Also called: THROMBASTHENIA OF GLANZMANN AND NAEGELI; Thrombasthenia; Glanzmann's thrombasthenia; PLATELET GLYCOPROTEIN IIb-IIIa DEFICIENCY. Identifiers: Orphanet 849, MedGen C0040015, MONDO:0100326.
ITGA2B-related disorder. Also called: ITGA2B-related condition; ITGA2B-related disorders.
Glanzmann thrombasthenia 1 (GT1). Also called: GP IIb-IIIa COMPLEX DEFICIENCY; GLYCOPROTEIN COMPLEX IIb-IIIa DEFICIENCY; PLATELET FIBRINOGEN RECEPTOR DEFICIENCY; BLEEDING DISORDER, PLATELET-TYPE, 2. Identifiers: MedGen CN300358, MONDO:0031332, OMIM 273800.
Platelet-type bleeding disorder 16 (BDPLT16). Also called: Bleeding disorder, platelet-type, 16, autosomal dominant. Identifiers: Orphanet 140957, MedGen C5442010, MONDO:0008552, OMIM 187800.

Allele frequency attached by ClinVar (database versions not stated): TOPMed 0.00002; ESP Exome Variant Server 0.00008.
gnomAD v4.1: 43 of 1,614,070 alleles (0.0027%); highest among the groups gnomAD compares: Non-Finnish European, 0.0033%; no homozygotes.

Submissions (4):

Women's Health and Genetics/Laboratory Corporation of America, LabCorp
Classification: Uncertain significance. Last evaluated: 2025-03-10. Review status: criteria provided, single submitter. Criteria: LabCorp Variant Classification Summary - May 2015. Collection method: clinical testing. Allele origin: germline.
Comment: Variant summary: ITGA2B c.2311G>T (p.Val771Leu) results in a conservative amino acid change in the encoded protein sequence. Three of five in-silico tools predict a benign effect of the variant on protein function. The variant allele was found at a frequency of 1.2e-05 in 251470 control chromosomes. The available data on variant occurrences in the general population are insufficient to allow any conclusion about variant significance. c.2311G>T has been reported in the literature in individuals affected with Thrombocytopenia or Glanzmann thrombasthenia 1, but individual information related to this variant has not been provided (Poles_2013, Stefanucci_2023). These report(s) do not provide unequivocal conclusions about association of the variant with Glanzmann thrombasthenia 1. To our knowledge, no experimental evidence demonstrating an impact on protein function has been reported. The following publications have been ascertained in the context of this evaluation (PMID: 23305224, 37647632). ClinVar contains an entry for this variant (Variation ID: 890529). Based on the evidence outlined above, the variant was classified as uncertain significance.

PreventionGenetics, part of Exact Sciences
Classification: Uncertain significance for ITGA2B-related condition. Last evaluated: 2025-01-30. Review status: criteria provided, single submitter. Criteria: ACMG Guidelines, 2015. Collection method: clinical testing. Allele origin: germline.
Comment: The ITGA2B c.2311G>T variant is predicted to result in the amino acid substitution p.Val771Leu. This variant, which is alternatively referred to as p.Val740Leu using legacy nomenclature, has been reported in the heterozygous state in individuals with fetomaternal alloimmune thrombocytopenia in a family (Poles et al. 2013. PubMed ID: 23305224). This variant has also been reported in a cohort study with hemostasis disorders (Table S3, Stefanucci et al. 2023. PubMed ID: 37647632). This variant is reported in 0.0026% of alleles in individuals of European (Non-Finnish) descent in gnomAD. At this time, the clinical significance of this variant is uncertain due to the absence of conclusive functional and genetic evidence.

Department of Pathology and Laboratory Medicine, Sinai Health System
Classification: Uncertain significance for Platelet-type bleeding disorder 16; Glanzmann thrombasthenia 1. Last evaluated: 2023-03-29. Review status: criteria provided, single submitter. Criteria: ACMG Guidelines, 2015. Collection method: research. Allele origin: germline.

Illumina Laboratory Services, Illumina
Classification: Uncertain significance for Glanzmann thrombasthenia 1. Last evaluated: 2017-04-27. Review status: criteria provided, single submitter. Criteria: ICSL Variant Classification Criteria 13 December 2019. Collection method: clinical testing. Allele origin: germline.
Comment: This variant was observed as part of a predisposition screen in an ostensibly healthy population. A literature search was performed for the gene, cDNA change, and amino acid change (where applicable). Publications were found based on this search. However, the evidence from the literature, in combination with allele frequency data from public databases where available, was not sufficient to rule this variant in or out of causing disease. Therefore, this variant is classified as a variant of unknown significance.

Literature cited by the submitters: PubMed 37647632 (cited by Women's Health and Genetics/Laboratory Corporation of America, LabCorp); PubMed 23305224 (cited by Women's Health and Genetics/Laboratory Corporation of America, LabCorp and Illumina Laboratory Services, Illumina).